The following is an entry in ClinVar:

NM_015272.5(RPGRIP1L):c.674T>G (p.Leu225Ter)

Gene: RPGRIP1L (RPGRIP1 like; minus strand). Cytogenetic location: 16q12.2.
Variant type: single nucleotide variant.
Coding change: c.674T>G on transcript NM_015272.5 (MANE Select); coding-DNA position 674, T replaced by G.
Protein change: p.Leu225Ter; replaces leucine 225 with a stop codon.
Molecular consequence: nonsense.
Genome position (GRCh38, 1-based): chr16:53,686,535, A>C on the plus strand (T>G on the coding strand, the complement: RPGRIP1L is on the minus strand). VCF-style: chr16-53686535-A-C. GRCh37 (hg19) VCF-style: chr16-53720447-A-C.
Other names: c.674T>G, p.Leu225Ter (NM_001127897.4, NM_001308334.3, NM_001330538.2); short protein forms L225*.
Identifiers: ClinVar variation 3029984 (VCV003029984.3), dbSNP rs746227955, ClinGen allele CA395924257.
Genomic context (GRCh38, chr16:53,686,535, plus strand): 5'-AACTCAATTTCATTTTCTTTTCTCCTCAACTGAGTTTTCAGGATCTCAGCCAAGTGCTCT[A>C]ACTCCTCTATCTGGCCTCTTTGTGACTGAATAACGTTTTCTCTGAAATAAAGAGCCTCTG-3'

ClinVar aggregate classification (germline): Likely pathogenic. Review status: criteria provided, single submitter (1 of 4 stars). 2 submissions from 2 submitters: Likely pathogenic (1). 1 of the submissions does not count toward it. Last evaluated 2024-05-13.

Conditions:
COACH syndrome 3. Identifiers: MedGen C5436841, MONDO:0030862, OMIM 619113.
Joubert syndrome 7 (JBTS7). Identifiers: Orphanet 220497, MedGen C1969053, MONDO:0012694, OMIM 611560.
Meckel syndrome, type 5 (MKS5). Identifiers: Orphanet 564, MedGen C1969052, MONDO:0012695, OMIM 611561.
RPGRIP1L-related disorder. Also called: RPGRIP1L-related condition; RPGRIP1L-related disorders. Identifiers: MedGen CN239416.

Submissions (2):

Fulgent Genetics
Classification: Likely pathogenic for Joubert syndrome 7; Meckel syndrome, type 5; COACH syndrome 3. Last evaluated: 2024-05-13. Review status: criteria provided, single submitter. Criteria: ACMG Guidelines, 2015. Collection method: clinical testing. Allele origin: germline.

PreventionGenetics, part of Exact Sciences
Classification: Likely pathogenic for RPGRIP1L-related condition. Last evaluated: 2023-11-14. Review status: no assertion criteria provided. Collection method: clinical testing. Allele origin: germline. Not counted in ClinVar's aggregate classification.
Comment: The RPGRIP1L c.674T>G variant is predicted to result in premature protein termination (p.Leu225*). To our knowledge, this variant has not been reported in the literature or in a large population database, indicating this variant is rare. Nonsense variants in RPGRIP1L are expected to be pathogenic. This variant is interpreted as likely pathogenic.